The following is an entry in ClinVar:

ClinVar aggregate classification (germline): Uncertain significance (1 of 4 stars; one submission).

Conditions:
Autosomal recessive nonsyndromic hearing loss 21. Identifiers: Orphanet 90636, MedGen C1863655, MONDO:0011351, OMIM 603629.

Submission:

3billion
Classification: Uncertain significance for Autosomal recessive nonsyndromic hearing loss 21. Last evaluated: 2025-01-10. Review status: criteria provided, single submitter. Criteria: ACMG Guidelines, 2015. Collection method: clinical testing. Allele origin: germline. Affected: yes.
Comment: The variant is not observed in the gnomAD v4.1.0 dataset. Predicted Consequence/Location: Intron variant In silico tools predict the variant to alter splicing and produce an abnormal transcript [SpliceAI: 0.64 (>=0.2, moderate evidence for spliceogenicity)]. Therefore, this variant is classified as VUS according to the recommendation of ACMG/AMP guideline.

NM_005422.4(TECTA):c.2941+3366T>G

Genes: TECTA (tectorin alpha; plus strand), TBCEL-TECTA (TBCEL-TECTA readthrough; plus strand). Cytogenetic location: 11q23.3.
Variant type: single nucleotide variant.
Coding change: c.2941+3366T>G on transcript NM_005422.4 (MANE Select); 3366 bases into the intron after coding-DNA position 2941, T replaced by G.
Molecular consequence: intron variant.
Genome position (GRCh38, 1-based): chr11:121,133,577, T>G. VCF-style: chr11-121133577-T-G. GRCh37 (hg19) VCF-style: chr11-121004286-T-G.
Other names: c.3898+3366T>G (NM_001378761.1).
Identifiers: ClinVar variation 4293672 (VCV004293672.1).
Genomic context (GRCh38, chr11:121,133,577, plus strand): 5'-TGTCTCTTTAGTCTCCTTTAATCTGGAACAATGACTTAGTTTTCTTTGTCTTTTCTGATA[T>G]GGGCATTTTTGAAGAACACAGCCTCCCTGCCTTTTGAAACAGAATGATCCTCCATAAACA-3'